The following is an entry in ClinVar:

ClinVar aggregate classification (germline): Likely benign (1 of 4 stars; one submission).

Allele frequency attached by ClinVar (database versions not stated): gnomAD 0.01363 and 0.01461; TOPMed 0.01566; 1000 Genomes Project 0.01617; 1000 Genomes Project 30x 0.01874.

Submission:

GeneDx
Classification: Likely benign. Last evaluated: 2021-05-12. Review status: criteria provided, single submitter. Criteria: GeneDx Variant Classification Process June 2021. Collection method: clinical testing. Allele origin: germline. Affected: yes.
Comment: See Variant Classification Assertion Criteria.

NM_001961.4(EEF2):c.2384-163A>G

Gene: EEF2 (eukaryotic translation elongation factor 2; minus strand). Cytogenetic location: 19p13.3.
Variant type: single nucleotide variant.
Coding change: c.2384-163A>G on transcript NM_001961.4 (MANE Select); 163 bases into the intron before coding-DNA position 2384, A replaced by G.
Molecular consequence: intron variant.
Genome position (GRCh38, 1-based): chr19:3,976,910, T>C on the plus strand (A>G on the coding strand, the complement: EEF2 is on the minus strand). VCF-style: chr19-3976910-T-C. GRCh37 (hg19) VCF-style: chr19-3976908-T-C.
Identifiers: ClinVar variation 1683836 (VCV001683836.2), dbSNP rs79632895, ClinGen allele CA304441555.
Genomic context (GRCh38, chr19:3,976,910, plus strand): 5'-TGCAGACCAGACACTCGGCCTGGTGCCCAGCACTTCACGAAGGGCCTAGCAGGCCACTCA[T>C]GGGCCTCATGCCGCTGCTCGTTTGGGACAACCCTGTGCTACAGCTCGGCTGCTCTACCGG-3'